The following is an entry in ClinVar:

NM_001003722.2(GLE1):c.831dup (p.Ala278fs)

Gene: GLE1 (GLE1 RNA export mediator; plus strand). Cytogenetic location: 9q34.11.
Variant type: Duplication.
Coding change: c.831dup on transcript NM_001003722.2 (MANE Select); coding-DNA position 831, one base duplicated (T; older notation c.831dupT).
Protein change: p.Ala278fs; shifts the reading frame from alanine 278.
Molecular consequence: frameshift variant.
Genome position (GRCh38, 1-based): chr9:128,523,780, T duplicated. VCF-style (leftmost placement, unchanged base first): chr9-128523779-C-CT. GRCh37 (hg19) VCF-style: chr9-131286058-C-CT.
Other names: c.831dup, p.Ala278fs (NM_001499.2); short protein forms A278fs.
Identifiers: ClinVar variation 1452751 (VCV001452751.6), dbSNP rs2132459332, ClinGen allele CA2573144022.

ClinVar aggregate classification (germline): Pathogenic (1 of 4 stars; one submission).

Submission:

Labcorp Genetics (formerly Invitae), Labcorp
Classification: Pathogenic. Last evaluated: 2021-04-08. Review status: criteria provided, single submitter. Criteria: Invitae Variant Classification Sherloc (09022015). Collection method: clinical testing. Allele origin: germline.
Comment: For these reasons, this variant has been classified as Pathogenic. This variant has not been reported in the literature in individuals with GLE1-related conditions. This variant is not present in population databases (ExAC no frequency). This sequence change creates a premature translational stop signal (p.Ala278Cysfs*33) in the GLE1 gene. It is expected to result in an absent or disrupted protein product. Loss-of-function variants in GLE1 are known to be pathogenic (PMID: 18204449, 24243016, 27684565).

Literature cited by the submitters: PubMed 18204449; PubMed 24243016; PubMed 27684565.